The following is an entry in ClinVar:

ClinVar aggregate classification (germline): Pathogenic/Likely pathogenic. Review status: criteria provided, multiple submitters, no conflicts (2 of 4 stars). 11 submissions from 11 submitters: Pathogenic (4); Likely pathogenic (6). 1 of the submissions does not count toward it. Last evaluated 2025-10-11.

Conditions:
ABCC6-related disorder. Also called: ABCC6-related condition.
Autosomal recessive inherited pseudoxanthoma elasticum (PXE). Identifiers: Orphanet 758, MedGen CN032334, MONDO:0009925, OMIM 264800.
Pseudoxanthoma elasticum, forme fruste. Also called: Pseudoxanthoma Elasticum, Incomplete; PSEUDOXANTHOMA ELASTICUM, HETEROZYGOUS. Identifiers: Orphanet 758, MedGen C1867450, MONDO:0008333, OMIM 177850.
Arterial calcification, generalized, of infancy, 2. Identifiers: Orphanet 51608, MedGen C3276161, MONDO:0013768, OMIM 614473.

Allele frequency attached by ClinVar (database versions not stated): gnomAD exomes 0.00003 and 0.00009; gnomAD 0.00004 and 0.00005; TOPMed 0.00005; ExAC 0.00010; ESP Exome Variant Server 0.00015; 1000 Genomes Project 30x 0.00016; 1000 Genomes Project 0.00020.
gnomAD v4.1: 58 of 1,613,674 alleles (0.0036%); highest among the groups gnomAD compares: Admixed American, 0.028%; no homozygotes.

Submissions (11):

Labcorp Genetics (formerly Invitae), Labcorp
Classification: Pathogenic. Last evaluated: 2025-10-11. Review status: criteria provided, single submitter. Criteria: Invitae Variant Classification Sherloc (09022015). Collection method: clinical testing. Allele origin: germline.
Comment: This sequence change replaces arginine, which is basic and polar, with cysteine, which is neutral and slightly polar, at codon 1114 of the ABCC6 protein (p.Arg1114Cys). This variant is present in population databases (rs63749794, gnomAD 0.03%). This missense change has been observed in individuals with pseudoxanthoma elasticum (PMID: 15459974, 16086317). ClinVar contains an entry for this variant (Variation ID: 433307). Invitae Evidence Modeling of protein sequence and biophysical properties (such as structural, functional, and spatial information, amino acid conservation, physicochemical variation, residue mobility, and thermodynamic stability) indicates that this missense variant is expected to disrupt ABCC6 protein function with a positive predictive value of 95%. This variant disrupts the p.Arg1114 amino acid residue in ABCC6. Other variant(s) that disrupt this residue have been determined to be pathogenic (PMID: 16835894, 18157818, 18513494). This suggests that this residue is clinically significant, and that variants that disrupt this residue are likely to be disease-causing. For these reasons, this variant has been classified as Pathogenic.

Variantyx, Inc.
Classification: Likely pathogenic for Autosomal recessive inherited pseudoxanthoma elasticum. Last evaluated: 2025-09-17. Review status: criteria provided, single submitter. Criteria: Variantyx Assertion Criteria 2022. Collection method: clinical testing. Allele origin: germline. Inheritance: Autosomal recessive inheritance. Affected: no.
Comment: This is a nonsynonymous variant in the ABCC6 gene (OMIM: 603234). Pathogenic variants in this gene have been associated with autosomal recessive pseudoxanthoma elasticum. This variant has been identified in the homozygous or compound heterozygous state in at least 4 individuals reported in the published literature (PMID: 15459974, 28912966, 16086317, 16835894) (PM3). Multiple computational algorithms predict a deleterious effect for this variant (REVEL score: 0.914) (PP3), and two alternate amino acid changes at this position (p.Arg1114His, p.Arg1114Pro) have been previously reported in similarly affected individuals, which suggests that this residue is biologically important (PMID:10835642, 17724214) (PM5).. This variant has a 0.0283% maximum allele frequency in non-founder control populations (PM2). Based on the current evidence, this variant is classified as likely pathogenic for autosomal recessive pseudoxanthoma elasticum.

PreventionGenetics, part of Exact Sciences
Classification: Likely pathogenic for ABCC6-related condition. Last evaluated: 2025-07-29. Review status: criteria provided, single submitter. Criteria: ACMG Guidelines, 2015. Collection method: clinical testing. Allele origin: germline.
Comment: The ABCC6 c.3340C>T variant is predicted to result in the amino acid substitution p.Arg1114Cys. This variant was reported, in the homozygous state or in the heterozygous state along with a second possible causative variant, in individuals with pseudoxanthoma elasticum (see, for example, Gheduzzi et al. 2004. PubMed ID: 15459974; supplementary data, Verschuere et al. 2020. PubMed ID: 32873932; supplementary data, Saeidian et al. 2021. PubMed ID: 34906475). This variant was also described, in the absence of a second potential causative variant, in the heterozygous state in affected individual (Katagiri et al. 2017. PubMed ID: 28912966; Nitschke et al. 2011. PubMed ID: 22209248). This variant has also been described in large cohorts of individuals with pseudoxanthoma elasticum (supplementary data, Boraldi et al. 2021. PubMed ID: 34205333). An alternate amino acid change at this position (p.Arg1114His) was previously reported in individuals with autosomal recessive pseudoxanthoma elasticum (Vanakker et al. 2008. PubMed ID: 18157818; Garcia-Fernandez et al. 2008. PubMed ID: 18513494). The c.3340C>T variant is reported in 0.034% of alleles in individuals of Latino descent in gnomAD. This variant is interpreted as likely pathogenic.

Revvity Omics, Revvity
Classification: Pathogenic. Last evaluated: 2025-03-14. Review status: criteria provided, single submitter. Criteria: ACMG Guidelines, 2015. Collection method: clinical testing. Allele origin: germline.

Genomic Medicine Center of Excellence, King Faisal Specialist Hospital and Research Centre
Classification: Likely pathogenic for Autosomal recessive inherited pseudoxanthoma elasticum. Last evaluated: 2024-12-18. Review status: criteria provided, single submitter. Criteria: ACMG Guidelines, 2015. Collection method: clinical testing. Allele origin: germline.

Fulgent Genetics
Classification: Pathogenic for Pseudoxanthoma elasticum, forme fruste; Autosomal recessive inherited pseudoxanthoma elasticum; Arterial calcification, generalized, of infancy, 2. Last evaluated: 2024-06-12. Review status: criteria provided, single submitter. Criteria: ACMG Guidelines, 2015. Collection method: clinical testing. Allele origin: germline.

CeGaT Center for Human Genetics Tuebingen
Classification: Pathogenic. Last evaluated: 2024-04-01. Review status: criteria provided, single submitter. Criteria: CeGaT Center For Human Genetics Tuebingen Variant Classification Criteria Version 2. Collection method: clinical testing. Allele origin: germline. Affected: yes. Observed: 1 variant allele.
Comment: ABCC6: PM3:Strong, PM1, PM2, PM5

GeneDx
Classification: Likely pathogenic. Last evaluated: 2023-10-26. Review status: criteria provided, single submitter. Criteria: GeneDx Variant Classification Process June 2021. Collection method: clinical testing. Allele origin: germline. Affected: yes.
Comment: In silico analysis supports that this missense variant has a deleterious effect on protein structure/function; In silico analysis is inconclusive as to whether the variant alters gene splicing. In the absence of RNA/functional studies, the actual effect of this sequence change is unknown.; This variant is associated with the following publications: (PMID: 16086317, 22209248, 15459974, 31589614, 28912966, 32873932, 32039214, 34205333, 34906475, 16835894)

Department of Pathology and Laboratory Medicine, Sinai Health System
Classification: Likely pathogenic for Arterial calcification, generalized, of infancy, 2; Autosomal recessive inherited pseudoxanthoma elasticum; Pseudoxanthoma elasticum, forme fruste. Last evaluated: 2023-02-27. Review status: criteria provided, single submitter. Criteria: ACMG Guidelines, 2015. Collection method: research. Allele origin: germline.

Neuberg Centre For Genomic Medicine, NCGM
Classification: Likely pathogenic for Autosomal recessive inherited pseudoxanthoma elasticum. Last evaluated: 2023-01-24. Review status: criteria provided, single submitter. Criteria: ACMG Guidelines, 2015. Collection method: clinical testing. Allele origin: germline. Inheritance: Autosomal recessive inheritance. Affected: yes.
Comment: The missense c.3340C>T (p.Arg1114Cys) variant in ABCC6 gene has been reported previously in individuals affected with pseudoxanthoma elasticum (Gheduzzi et al. 2004; Miksch et al. 2005; Verschuere et al. 2021). The p.Arg1114Cys variant is reported with an allele frequency of 0.009% in the gnomAD exomes database. This variant has been reported to the ClinVar database as Pathogenic (multiple submissions). The amino acid change p.Arg1114Cys in ABCC6 is predicted as conserved by GERP++ and PhyloP across 100 vertebrates. The amino acid Arg at position 1114 is changed to a Cys changing protein sequence and it might alter its composition and physico-chemical properties. Another missense [c.3341G>A | p.Arg1114His] variant at this residue has previously been classified as pathogenic. For these reasons, this variant has been classified as Pathogenic.

PXE International
Classification: Pathogenic for Autosomal recessive inherited pseudoxanthoma elasticum. Last evaluated: 2021-03-01. Review status: no assertion criteria provided. Collection method: research. Allele origin: germline. Inheritance: Autosomal recessive inheritance. Affected: yes. Observed: 3 variant alleles. Clinical features observed: Retinal hemorrhage (HP:0000573), Papule (HP:0200034), Intermittent claudication (HP:0004417), Angina pectoris (HP:0001681), Abnormal EKG (HP:0003115). Not counted in ClinVar's aggregate classification.

Literature cited by the submitters: PubMed 15459974 (cited by Labcorp Genetics (formerly Invitae), Labcorp and Variantyx, Inc.); PubMed 16086317 (cited by Labcorp Genetics (formerly Invitae), Labcorp and Variantyx, Inc.); PubMed 16835894 (cited by Labcorp Genetics (formerly Invitae), Labcorp and Variantyx, Inc.); PubMed 18157818 (cited by Labcorp Genetics (formerly Invitae), Labcorp); PubMed 18513494 (cited by Labcorp Genetics (formerly Invitae), Labcorp); PubMed 28912966 (cited by Variantyx, Inc.); PubMed 32873932 (cited by PXE International).

NM_001171.6(ABCC6):c.3340C>T (p.Arg1114Cys)

Gene: ABCC6 (ATP binding cassette subfamily C member 6; minus strand). Cytogenetic location: 16p13.11.
Variant type: single nucleotide variant.
Coding change: c.3340C>T on transcript NM_001171.6 (MANE Select); coding-DNA position 3340, C replaced by T.
Protein change: p.Arg1114Cys; replaces arginine 1114 with cysteine.
Molecular consequence: missense variant.
Genome position (GRCh38, 1-based): chr16:16,163,159, G>A on the plus strand (C>T on the coding strand, the complement: ABCC6 is on the minus strand). VCF-style: chr16-16163159-G-A. GRCh37 (hg19) VCF-style: chr16-16257016-G-A.
Other names: c.2998C>T, p.Arg1000Cys (NM_001351800.1); short protein forms R1114C, R1000C.
Identifiers: ClinVar variation 433307 (VCV000433307.36), dbSNP rs63749794, ClinGen allele CA7925604.